The following is an entry in ClinVar:

NM_174934.4(SCN4B):c.613T>C (p.Ser205Pro)

Gene: SCN4B (sodium voltage-gated channel beta subunit 4; minus strand). Cytogenetic location: 11q23.3.
Variant type: single nucleotide variant.
Coding change: c.613T>C on transcript NM_174934.4 (MANE Select); coding-DNA position 613, T replaced by C.
Protein change: p.Ser205Pro; replaces serine 205 with proline.
Molecular consequence: missense variant. On other transcripts: non-coding transcript variant (1).
Genome position (GRCh38, 1-based): chr11:118,137,101, A>G on the plus strand (T>C on the coding strand, the complement: SCN4B is on the minus strand). VCF-style: chr11-118137101-A-G. GRCh37 (hg19) VCF-style: chr11-118007816-A-G.
Other names: c.211T>C, p.Ser71Pro (NM_001142348.2); c.283T>C, p.Ser95Pro (NM_001142349.2); short protein forms S205P, S71P, S95P.
Identifiers: ClinVar variation 560693 (VCV000560693.9), dbSNP rs761183228, ClinGen allele CA6300135.

ClinVar aggregate classification (germline): Uncertain significance. Review status: criteria provided, multiple submitters, no conflicts (2 of 4 stars). 3 submissions from 3 submitters: Uncertain significance (3). Last evaluated 2025-05-07.

Conditions:
Long QT syndrome 10 (LQT10). Identifiers: Orphanet 101016, Orphanet 768, MedGen C2678484, MONDO:0012737, OMIM 611819.
Cardiovascular phenotype. Identifiers: MedGen CN230736.

Allele frequency attached by ClinVar (database versions not stated): TOPMed 0.00002.
gnomAD v4.1: 41 of 1,613,510 alleles (0.0025%); highest among the groups gnomAD compares: Admixed American, 0.005%; no homozygotes.

Submissions (3):

Labcorp Genetics (formerly Invitae), Labcorp
Classification: Uncertain significance for Long QT syndrome 10. Last evaluated: 2025-05-07. Review status: criteria provided, single submitter. Criteria: Invitae Variant Classification Sherloc (09022015). Collection method: clinical testing. Allele origin: germline.
Comment: This sequence change replaces serine, which is neutral and polar, with proline, which is neutral and non-polar, at codon 205 of the SCN4B protein (p.Ser205Pro). This variant is present in population databases (rs761183228, gnomAD 0.009%). This missense change has been observed in individual(s) with long QT syndrome (PMID: 31737537). ClinVar contains an entry for this variant (Variation ID: 560693). An algorithm developed to predict the effect of missense changes on protein structure and function (PolyPhen-2) suggests that this variant is likely to be disruptive. In summary, the available evidence is currently insufficient to determine the role of this variant in disease. Therefore, it has been classified as a Variant of Uncertain Significance.

Ambry Genetics
Classification: Uncertain significance for Cardiovascular phenotype. Last evaluated: 2023-12-07. Review status: criteria provided, single submitter. Criteria: Ambry Variant Classification Scheme 2023. Collection method: clinical testing. Allele origin: germline.
Comment: The p.S205P variant (also known as c.613T>C), located in coding exon 5 of the SCN4B gene, results from a T to C substitution at nucleotide position 613. The serine at codon 205 is replaced by proline, an amino acid with similar properties. This amino acid position is highly conserved in available vertebrate species. In addition, this alteration is predicted to be deleterious by in silico analysis. The evidence for this gene-disease relationship is limited; therefore, the clinical significance of this alteration is unclear.

MVZ Martinsried, Medicover Genetics
Classification: Uncertain significance for Long QT syndrome 10. Last evaluated: 2018-01-31. Review status: criteria provided, single submitter. Criteria: ACMG Guidelines, 2015. Collection method: clinical testing. Allele origin: unknown. Affected: yes.

Literature cited by the submitters: PubMed 31737537 (cited by Labcorp Genetics (formerly Invitae), Labcorp).